The following is an entry in ClinVar:

NM_004260.4(RECQL4):c.764G>A (p.Ser255Asn)

Gene: RECQL4 (RecQ like helicase 4; minus strand). Cytogenetic location: 8q24.3.
Variant type: single nucleotide variant.
Coding change: c.764G>A on transcript NM_004260.4 (MANE Select); coding-DNA position 764, G replaced by A.
Protein change: p.Ser255Asn; replaces serine 255 with asparagine.
Molecular consequence: missense variant.
Genome position (GRCh38, 1-based): chr8:144,516,355, C>T on the plus strand (G>A on the coding strand, the complement: RECQL4 is on the minus strand). VCF-style: chr8-144516355-C-T. GRCh37 (hg19) VCF-style: chr8-145741739-C-T.
Other names: short protein forms S255N.
Identifiers: ClinVar variation 1052798 (VCV001052798.3), dbSNP rs1814987051, ClinGen allele CA372689341.
Genomic context (GRCh38, chr8:144,516,355, plus strand): 5'-ACCTGTGCGGGGCTCTCCCAGGGCTCCTCGTTCCATCTCCGCTTCTCGCCTCCACTGCTG[C>T]TGGGCTGGGGGCTCCCCACACGGATGCTGACTTCTTGGAAGGCTGAAGCCTCTGGGCCCT-3'
Protein context (NP_004251.4, residues 245-265): VSIRVGSPQP[Ser255Asn]SSGGEKRRWN

ClinVar aggregate classification (germline): Uncertain significance (1 of 4 stars; one submission).

Conditions:
Baller-Gerold syndrome (BGS). Also called: CRANIOSYNOSTOSIS WITH RADIAL DEFECTS. Identifiers: Orphanet 1225, MedGen C0265308, MONDO:0009039, OMIM 218600.

Submission:

Labcorp Genetics (formerly Invitae), Labcorp
Classification: Uncertain significance for Baller-Gerold syndrome. Last evaluated: 2020-01-05. Review status: criteria provided, single submitter. Criteria: Invitae Variant Classification Sherloc (09022015). Collection method: clinical testing. Allele origin: germline.
Comment: In summary, the available evidence is currently insufficient to determine the role of this variant in disease. Therefore, it has been classified as a Variant of Uncertain Significance. Experimental studies and prediction algorithms are not available or were not evaluated, and the functional significance of this variant is currently unknown. This variant has not been reported in the literature in individuals with RECQL4-related conditions. This variant is not present in population databases (ExAC no frequency). This sequence change replaces serine with asparagine at codon 255 of the RECQL4 protein (p.Ser255Asn). The serine residue is moderately conserved and there is a small physicochemical difference between serine and asparagine.